The following is an entry in ClinVar:

NM_004341.5(CAD):c.4579G>A (p.Ala1527Thr)

Gene: CAD (carbamoyl-phosphate synthetase 2, aspartate transcarbamylase, and dihydroorotase; plus strand). Cytogenetic location: 2p23.3.
Variant type: single nucleotide variant.
Coding change: c.4579G>A on transcript NM_004341.5 (MANE Select); coding-DNA position 4579, G replaced by A.
Protein change: p.Ala1527Thr; replaces alanine 1527 with threonine.
Molecular consequence: missense variant.
Genome position (GRCh38, 1-based): chr2:27,237,733, G>A. VCF-style: chr2-27237733-G-A. GRCh37 (hg19) VCF-style: chr2-27460601-G-A.
Other names: c.4390G>A, p.Ala1464Thr (NM_001306079.2); c.4579G>A (NM_004341.3); short protein forms A1464T, A1527T.
Identifiers: ClinVar variation 1410453 (VCV001410453.5), dbSNP rs751940560, ClinGen allele CA1573585.

ClinVar aggregate classification (germline): Uncertain significance. Review status: criteria provided, multiple submitters, no conflicts (2 of 4 stars). 2 submissions from 2 submitters: Uncertain significance (2). Last evaluated 2025-11-12.

Conditions:
Inborn genetic diseases. Identifiers: MedGen C0950123, MeSH D030342.

Allele frequency attached by ClinVar (database versions not stated): ExAC 0.00001.
gnomAD v4.1: 15 of 1,613,314 alleles (0.00093%); highest among the groups gnomAD compares: African/African-American, 0.008%; no homozygotes.

Submissions (2):

Ambry Genetics
Classification: Uncertain significance for Inborn genetic diseases. Last evaluated: 2025-11-12. Review status: criteria provided, single submitter. Criteria: Ambry Variant Classification Scheme 2023. Collection method: clinical testing. Allele origin: germline.

Labcorp Genetics (formerly Invitae), Labcorp
Classification: Uncertain significance. Last evaluated: 2024-02-24. Review status: criteria provided, single submitter. Criteria: Invitae Variant Classification Sherloc (09022015). Collection method: clinical testing. Allele origin: germline.
Comment: This sequence change replaces alanine, which is neutral and non-polar, with threonine, which is neutral and polar, at codon 1527 of the CAD protein (p.Ala1527Thr). This variant is present in population databases (rs751940560, gnomAD 0.008%). This variant has not been reported in the literature in individuals affected with CAD-related conditions. ClinVar contains an entry for this variant (Variation ID: 1410453). An algorithm developed to predict the effect of missense changes on protein structure and function (PolyPhen-2) suggests that this variant¬†is likely to be tolerated. In summary, the available evidence is currently insufficient to determine the role of this variant in disease. Therefore, it has been classified as a Variant of Uncertain Significance.